The following is an entry in ClinVar:

NM_031942.5(CDCA7):c.252T>A (p.Asp84Glu)

Gene: CDCA7 (cell division cycle associated 7; plus strand). Cytogenetic location: 2q31.1.
Variant type: single nucleotide variant.
Coding change: c.252T>A on transcript NM_031942.5 (MANE Select); coding-DNA position 252, T replaced by A.
Protein change: p.Asp84Glu; replaces aspartic acid 84 with glutamic acid.
Molecular consequence: missense variant. On other transcripts: intron variant (1).
Genome position (GRCh38, 1-based): chr2:173,359,359, T>A. VCF-style: chr2-173359359-T-A. GRCh37 (hg19) VCF-style: chr2-174224087-T-A.
Other names: c.147+522T>A (NM_145810.3); short protein forms D84E.
Identifiers: ClinVar variation 2175479 (VCV002175479.3), dbSNP rs370226744, ClinGen allele CA60775505.

ClinVar aggregate classification (germline): Uncertain significance (1 of 4 stars; one submission).

Allele frequency attached by ClinVar (database versions not stated): ESP Exome Variant Server 0.00008.
gnomAD v4.1: 21 of 1,614,208 alleles (0.0013%); highest among the groups gnomAD compares: Non-Finnish European, 0.0018%; no homozygotes.

Submission:

Labcorp Genetics (formerly Invitae), Labcorp
Classification: Uncertain significance. Last evaluated: 2022-05-27. Review status: criteria provided, single submitter. Criteria: Invitae Variant Classification Sherloc (09022015). Collection method: clinical testing. Allele origin: germline.
Comment: This variant is present in population databases (rs370226744, gnomAD 0.0009%). In summary, the available evidence is currently insufficient to determine the role of this variant in disease. Therefore, it has been classified as a Variant of Uncertain Significance. Algorithms developed to predict the effect of missense changes on protein structure and function are either unavailable or do not agree on the potential impact of this missense change (SIFT: "Deleterious"; PolyPhen-2: "Benign"; Align-GVGD: "Class C0"). This variant has not been reported in the literature in individuals affected with CDCA7-related conditions. This sequence change replaces aspartic acid, which is acidic and polar, with glutamic acid, which is acidic and polar, at codon 84 of the CDCA7 protein (p.Asp84Glu).